The following is an entry in ClinVar:

NM_018960.6(GNMT):c.325G>A (p.Asp109Asn)

Genes: CNPY3-GNMT (CNPY3-GNMT readthrough; plus strand), GNMT (glycine N-methyltransferase; plus strand). Cytogenetic location: 6p21.1.
Variant type: single nucleotide variant.
Coding change: c.325G>A on transcript NM_018960.6 (MANE Select); coding-DNA position 325, G replaced by A.
Protein change: p.Asp109Asn; replaces aspartic acid 109 with asparagine.
Molecular consequence: missense variant. On other transcripts: non-coding transcript variant (2), intron variant (2).
Genome position (GRCh38, 1-based): chr6:42,962,330, G>A. VCF-style: chr6-42962330-G-A. GRCh37 (hg19) VCF-style: chr6-42930068-G-A.
Other names: c.127G>A, p.Asp43Asn (NM_001318856.2); c.325G>A, p.Asp109Asn (NM_001318865.2); c.152-432G>A (NM_001318857.2, NM_001318858.2); short protein forms D43N, D109N.
Identifiers: ClinVar variation 2148497 (VCV002148497.4), dbSNP rs149056383, ClinGen allele CA3810637.

ClinVar aggregate classification (germline): Uncertain significance (1 of 4 stars; one submission).

Allele frequency attached by ClinVar (database versions not stated): gnomAD exomes 0.00001; ExAC 0.00002; gnomAD 0.00003; TOPMed 0.00004; ESP Exome Variant Server 0.00008.

Submission:

Labcorp Genetics (formerly Invitae), Labcorp
Classification: Uncertain significance. Last evaluated: 2025-06-16. Review status: criteria provided, single submitter. Criteria: Invitae Variant Classification Sherloc (09022015). Collection method: clinical testing. Allele origin: germline.
Comment: This sequence change replaces aspartic acid, which is acidic and polar, with asparagine, which is neutral and polar, at codon 109 of the GNMT protein (p.Asp109Asn). This variant is present in population databases (rs149056383, gnomAD 0.004%). This variant has not been reported in the literature in individuals affected with GNMT-related conditions. ClinVar contains an entry for this variant (Variation ID: 2148497). An algorithm developed to predict the effect of missense changes on protein structure and function (PolyPhen-2) suggests that this variant is likely to be tolerated. In summary, the available evidence is currently insufficient to determine the role of this variant in disease. Therefore, it has been classified as a Variant of Uncertain Significance.